The following is an entry in ClinVar:

ClinVar aggregate classification (germline): Uncertain significance (1 of 4 stars; one submission).

Submission:

Labcorp Genetics (formerly Invitae), Labcorp
Classification: Uncertain significance. Last evaluated: 2024-01-05. Review status: criteria provided, single submitter. Criteria: Invitae Variant Classification Sherloc (09022015). Collection method: clinical testing. Allele origin: unknown.
Comment: A copy number gain of the genomic region encompassing the full coding sequence of the USP9X gene has been identified. The boundaries of this event are unknown as they extend beyond the assayed region for this gene and therefore may encompass additional genes. As the precise location of this event is unknown, it may be in tandem or it may be located elsewhere in the genome. This variant has not been reported in the literature in individuals affected with USP9X-related conditions. In summary, the available evidence is currently insufficient to determine the role of this variant in disease. Therefore, it has been classified as a Variant of Uncertain Significance.

NC_000023.10:g.(?_40982882)_(41091777_?)dup

Gene: USP9X (ubiquitin specific peptidase 9 X-linked; plus strand). Cytogenetic location: Xp11.4.
Variant type: Duplication.
Identifiers: ClinVar variation 3246397 (VCV003246397.1).